The following is an entry in ClinVar:

ClinVar aggregate classification (germline): Benign. Review status: criteria provided, single submitter (1 of 4 stars). 2 submissions from 2 submitters: Benign (1). 1 of the submissions does not count toward it. Last evaluated 2018-09-18.

Conditions:
NEO1-related disorder. Also called: NEO1-related condition.

Allele frequency attached by ClinVar (database versions not stated): ESP Exome Variant Server 0.00100; gnomAD 0.00130 and 0.00138; gnomAD exomes 0.00165 and 0.00170; TOPMed 0.00174; ExAC 0.00188; 1000 Genomes Project 30x 0.00203; 1000 Genomes Project 0.00260.
gnomAD v4.1: 2,587 of 1,614,086 alleles (0.16%); highest among the groups gnomAD compares: South Asian, 0.56%; 18 homozygotes.

Submissions (2):

Labcorp Genetics (formerly Invitae), Labcorp
Classification: Benign. Last evaluated: 2018-09-18. Review status: criteria provided, single submitter. Criteria: Invitae Variant Classification Sherloc (09022015). Collection method: clinical testing. Allele origin: germline.

PreventionGenetics, part of Exact Sciences
Classification: Likely benign for NEO1-related condition. Last evaluated: 2019-05-01. Review status: no assertion criteria provided. Collection method: clinical testing. Allele origin: germline. Not counted in ClinVar's aggregate classification.
Comment: This variant is classified as likely benign based on ACMG/AMP sequence variant interpretation guidelines (Richards et al. 2015 PMID: 25741868, with internal and published modifications).

NM_002499.4(NEO1):c.663C>T (p.Cys221=)

Gene: NEO1 (neogenin 1; plus strand). Cytogenetic location: 15q24.1.
Variant type: single nucleotide variant.
Coding change: c.663C>T on transcript NM_002499.4 (MANE Select); coding-DNA position 663, C replaced by T.
Protein change: p.Cys221=; no amino-acid change (cysteine 221 retained).
Molecular consequence: synonymous variant.
Genome position (GRCh38, 1-based): chr15:73,122,739, C>T. VCF-style: chr15-73122739-C-T. GRCh37 (hg19) VCF-style: chr15-73415080-C-T.
Other names: c.663C>T, p.Cys221= (NM_001172623.2, NM_001172624.2).
Identifiers: ClinVar variation 777250 (VCV000777250.5), dbSNP rs148761830, ClinGen allele CA7647682.